The following is an entry in ClinVar:

NM_182914.3(SYNE2):c.7399G>A (p.Ala2467Thr)

Gene: SYNE2 (spectrin repeat containing nuclear envelope protein 2; plus strand). Cytogenetic location: 14q23.2.
Variant type: single nucleotide variant.
Coding change: c.7399G>A on transcript NM_182914.3 (MANE Select); coding-DNA position 7399, G replaced by A.
Protein change: p.Ala2467Thr; replaces alanine 2467 with threonine.
Molecular consequence: missense variant.
Genome position (GRCh38, 1-based): chr14:64,049,632, G>A. VCF-style: chr14-64049632-G-A. GRCh37 (hg19) VCF-style: chr14-64516350-G-A.
Other names: c.7399G>A (NM_182914.2); c.7399G>A, p.Ala2467Thr (NM_015180.6); short protein forms A2467T.
Identifiers: ClinVar variation 1514135 (VCV001514135.7), dbSNP rs752492583, ClinGen allele CA7220926.
Genomic context (GRCh38, chr14:64,049,632, plus strand): 5'-GTGAGTGTTTATTGACTGATCTGTGTGACTTATTTTTAGAAATTATATACCCAGTTGGAA[G>A]CAAAGAAAGCAGCCATTAAGCCACTGGAACAAACAGAATGTCTTAACAAAACAGAAACTG-3'
Protein context (NP_878918.2, residues 2457-2477): EIEKLYTQLE[Ala2467Thr]KKAAIKPLEQ

ClinVar aggregate classification (germline): Uncertain significance. Review status: criteria provided, multiple submitters, no conflicts (2 of 4 stars). 2 submissions from 2 submitters: Uncertain significance (2). Last evaluated 2025-11-26.

Conditions:
Emery-Dreifuss muscular dystrophy 5, autosomal dominant (EDMD5). Also called: EMERY-DREIFUSS MUSCULAR DYSTROPHY 5. Identifiers: Orphanet 261, MedGen C2751805, MONDO:0013072, OMIM 612999.

Allele frequency attached by ClinVar (database versions not stated): TOPMed 0.00001; gnomAD exomes 0.00002 and 0.00004; ExAC 0.00003.
gnomAD v4.1: 10 of 1,614,046 alleles (0.00062%); highest among the groups gnomAD compares: Admixed American, 0.017%; no homozygotes.

Submissions (2):

Ambry Genetics
Classification: Uncertain significance. Last evaluated: 2025-11-26. Review status: criteria provided, single submitter. Criteria: Ambry Variant Classification Scheme 2023. Collection method: clinical testing. Allele origin: germline.

Labcorp Genetics (formerly Invitae), Labcorp
Classification: Uncertain significance for Emery-Dreifuss muscular dystrophy 5, autosomal dominant. Last evaluated: 2023-09-18. Review status: criteria provided, single submitter. Criteria: Invitae Variant Classification Sherloc (09022015). Collection method: clinical testing. Allele origin: germline.
Comment: This sequence change replaces alanine, which is neutral and non-polar, with threonine, which is neutral and polar, at codon 2467 of the SYNE2 protein (p.Ala2467Thr). This variant is present in population databases (rs752492583, gnomAD 0.03%), and has an allele count higher than expected for a pathogenic variant. This variant has not been reported in the literature in individuals affected with SYNE2-related conditions. ClinVar contains an entry for this variant (Variation ID: 1514135). An algorithm developed to predict the effect of missense changes on protein structure and function (PolyPhen-2) suggests that this variant is likely to be disruptive. In summary, the available evidence is currently insufficient to determine the role of this variant in disease. Therefore, it has been classified as a Variant of Uncertain Significance.